The following is an entry in ClinVar:

NM_000090.4(COL3A1):c.431G>A (p.Cys144Tyr)

Gene: COL3A1 (collagen type III alpha 1 chain; plus strand). Cytogenetic location: 2q32.2.
Variant type: single nucleotide variant.
Coding change: c.431G>A on transcript NM_000090.4 (MANE Select); coding-DNA position 431, G replaced by A.
Protein change: p.Cys144Tyr; replaces cysteine 144 with tyrosine.
Molecular consequence: missense variant.
Genome position (GRCh38, 1-based): chr2:188,985,762, G>A. VCF-style: chr2-188985762-G-A. GRCh37 (hg19) VCF-style: chr2-189850488-G-A.
Other names: short protein forms C144Y.
Identifiers: ClinVar variation 925052 (VCV000925052.5), dbSNP rs1688053672, ClinGen allele CA349847977.

ClinVar aggregate classification (germline): Uncertain significance (1 of 4 stars; one submission).

Conditions:
Familial thoracic aortic aneurysm and aortic dissection (TAAD). Also called: Thoracic aortic aneurysms and dissections. Identifiers: Orphanet 91387, MedGen C4707243, MONDO:0019625.

Submission:

Color Diagnostics, LLC DBA Color Health
Classification: Uncertain significance for Familial thoracic aortic aneurysm and aortic dissection. Last evaluated: 2023-12-04. Review status: criteria provided, single submitter. Criteria: ACMG Guidelines, 2015. Collection method: clinical testing. Allele origin: germline.
Comment: This missense variant replaces cysteine with tyrosine at codon 144 of the COL3A1 protein. Computational prediction tools and conservation analyses are inconclusive regarding the impact of this variant on the protein function. Computational splicing tools suggest that this variant may not impact RNA splicing. To our knowledge, functional assays have not been performed for this variant nor has this variant been reported in individuals affected with cardiovascular disorders in the literature. This variant has not been identified in the general population by the Genome Aggregation Database (gnomAD). Available evidence is insufficient to determine the role of this variant in disease conclusively. Therefore, this variant is classified as a Variant of Uncertain Significance.